The following is an entry in ClinVar:

ClinVar aggregate classification (germline): Uncertain significance. Review status: criteria provided, multiple submitters, no conflicts (2 of 4 stars). 2 submissions from 2 submitters: Uncertain significance (2). Last evaluated 2025-05-13.

gnomAD v4.1: 1 of 1,613,932 alleles (0.000062%); highest among the groups gnomAD compares: African/African-American, 0.0013%; no homozygotes.

Submissions (2):

Labcorp Genetics (formerly Invitae), Labcorp
Classification: Uncertain significance. Last evaluated: 2025-05-13. Review status: criteria provided, single submitter. Criteria: Invitae Variant Classification Sherloc (09022015). Collection method: clinical testing. Allele origin: germline.
Comment: This sequence change replaces threonine, which is neutral and polar, with asparagine, which is neutral and polar, at codon 58 of the A2ML1 protein (p.Thr58Asn). This variant is present in population databases (no rsID available, gnomAD 0.01%). This variant has not been reported in the literature in individuals affected with A2ML1-related conditions. ClinVar contains an entry for this variant (Variation ID: 3518999). An algorithm developed to predict the effect of missense changes on protein structure and function (PolyPhen-2) suggests that this variant is likely to be disruptive. In summary, the available evidence is currently insufficient to determine the role of this variant in disease. Therefore, it has been classified as a Variant of Uncertain Significance.

Ambry Genetics
Classification: Uncertain significance. Last evaluated: 2024-08-11. Review status: criteria provided, single submitter. Criteria: Ambry Variant Classification Scheme 2023. Collection method: clinical testing. Allele origin: germline.
Comment: The p.T58N variant (also known as c.173C>A), located in coding exon 2 of the A2ML1 gene, results from a C to A substitution at nucleotide position 173. The threonine at codon 58 is replaced by asparagine, an amino acid with similar properties. This amino acid position is conserved. In addition, this alteration is predicted to be tolerated by in silico analysis. Based on the available evidence, the clinical significance of this variant remains unclear.

NM_144670.6(A2ML1):c.173C>A (p.Thr58Asn)

Genes: A2ML1 (alpha-2-macroglobulin like 1; plus strand), A2ML1-AS1 (A2ML1 antisense RNA 1; minus strand). Cytogenetic location: 12p13.31.
Variant type: single nucleotide variant.
Coding change: c.173C>A on transcript NM_144670.6 (MANE Select); coding-DNA position 173, C replaced by A.
Protein change: p.Thr58Asn; replaces threonine 58 with asparagine.
Molecular consequence: missense variant.
Genome position (GRCh38, 1-based): chr12:8,823,292, C>A. VCF-style: chr12-8823292-C-A. GRCh37 (hg19) VCF-style: chr12-8975888-C-A.
Other names: short protein forms T58N.
Identifiers: ClinVar variation 3518999 (VCV003518999.2).
Genomic context (GRCh38, chr12:8,823,292, plus strand): 5'-AGGTTTGTTTGGACCTGAGCCCTGGGTACAGTGATGTTAAATTCACGGTTACTCTGGAGA[C>A]CAAGGACAAGACCCAGAAGTTGCTAGAATACTCTGGACTGAAGAAGAGGCACTTACATTG-3'
Protein context (NP_653271.3, residues 48-68): SDVKFTVTLE[Thr58Asn]KDKTQKLLEY